The following is an entry in ClinVar:

NM_007186.6(CEP250):c.5413C>G (p.Leu1805Val)

Gene: CEP250 (centrosomal protein 250; plus strand). Cytogenetic location: 20q11.22.
Variant type: single nucleotide variant.
Coding change: c.5413C>G on transcript NM_007186.6 (MANE Select); coding-DNA position 5413, C replaced by G.
Protein change: p.Leu1805Val; replaces leucine 1805 with valine.
Molecular consequence: missense variant.
Genome position (GRCh38, 1-based): chr20:35,503,782, C>G. VCF-style: chr20-35503782-C-G. GRCh37 (hg19) VCF-style: chr20-34091610-C-G.
Other names: c.3517C>G, p.Leu1173Val (NM_001318219.1); short protein forms L1173V, L1805V.
Identifiers: ClinVar variation 1929637 (VCV001929637.3), dbSNP rs2075512106, ClinGen allele CA408752929.
Genomic context (GRCh38, chr20:35,503,782, plus strand): 5'-CAGCAACTGCAGGAAGCCAGGGAACAAGGGGAGCTGAAGGAGCAGTCACTTCAGAGTCAA[C>G]TGGATGAGGCCCAGAGAGCCCTAGCCCAGAGGGACCAGGAACTGGAGGCTCTGCAGCAAG-3'
Protein context (NP_009117.2, residues 1795-1815): ELKEQSLQSQ[Leu1805Val]DEAQRALAQR

ClinVar aggregate classification (germline): Uncertain significance (1 of 4 stars; one submission).

Allele frequency attached by ClinVar (database versions not stated): TOPMed below 0.00001; gnomAD 0.00001.
gnomAD v4.1: 1 of 1,613,806 alleles (0.000062%); highest among the groups gnomAD compares: Non-Finnish European, 0.000085%; no homozygotes.

Submission:

Labcorp Genetics (formerly Invitae), Labcorp
Classification: Uncertain significance. Last evaluated: 2022-10-18. Review status: criteria provided, single submitter. Criteria: Invitae Variant Classification Sherloc (09022015). Collection method: clinical testing. Allele origin: germline.
Comment: In summary, the available evidence is currently insufficient to determine the role of this variant in disease. Therefore, it has been classified as a Variant of Uncertain Significance. Algorithms developed to predict the effect of missense changes on protein structure and function are either unavailable or do not agree on the potential impact of this missense change (SIFT: "Not Available"; PolyPhen-2: "Probably Damaging"; Align-GVGD: "Not Available"). This variant has not been reported in the literature in individuals affected with CEP250-related conditions. This variant is not present in population databases (gnomAD no frequency). This sequence change replaces leucine, which is neutral and non-polar, with valine, which is neutral and non-polar, at codon 1805 of the CEP250 protein (p.Leu1805Val).